The following is an entry in ClinVar:

ClinVar aggregate classification (germline): Likely benign. Review status: criteria provided, single submitter (1 of 4 stars). 2 submissions from 2 submitters: Likely benign (1). 1 of the submissions does not count toward it. Last evaluated 2026-01-03.

Conditions:
DYRK1B-related disorder. Also called: DYRK1B-related condition.

Allele frequency attached by ClinVar (database versions not stated): gnomAD 0.00001; gnomAD exomes 0.00001; TOPMed 0.00005.
gnomAD v4.1: 15 of 1,572,530 alleles (0.00095%); highest among the groups gnomAD compares: Admixed American, 0.027%; no homozygotes.

Submissions (2):

Labcorp Genetics (formerly Invitae), Labcorp
Classification: Likely benign. Last evaluated: 2026-01-03. Review status: criteria provided, single submitter. Criteria: Invitae Variant Classification Sherloc (09022015). Collection method: clinical testing. Allele origin: germline.

PreventionGenetics, part of Exact Sciences
Classification: Likely benign for DYRK1B-related condition. Last evaluated: 2023-08-14. Review status: no assertion criteria provided. Collection method: clinical testing. Allele origin: germline. Not counted in ClinVar's aggregate classification.
Comment: This variant is classified as likely benign based on ACMG/AMP sequence variant interpretation guidelines (Richards et al. 2015 PMID: 25741868, with internal and published modifications).

NM_004714.3(DYRK1B):c.1826C>T (p.Pro609Leu)

Gene: DYRK1B (dual specificity tyrosine phosphorylation regulated kinase 1B; minus strand). Cytogenetic location: 19q13.2.
Variant type: single nucleotide variant.
Coding change: c.1826C>T on transcript NM_004714.3 (MANE Select); coding-DNA position 1826, C replaced by T.
Protein change: p.Pro609Leu; replaces proline 609 with leucine.
Molecular consequence: missense variant.
Genome position (GRCh38, 1-based): chr19:39,825,779, G>A on the plus strand (C>T on the coding strand, the complement: DYRK1B is on the minus strand). VCF-style: chr19-39825779-G-A. GRCh37 (hg19) VCF-style: chr19-40316419-G-A.
Other names: c.1826C>T (NM_004714.2); c.1706C>T, p.Pro569Leu (NM_006483.3); c.1742C>T, p.Pro581Leu (NM_006484.3); short protein forms P609L, P581L, P569L.
Identifiers: ClinVar variation 2188919 (VCV002188919.6), dbSNP rs775501167, ClinGen allele CA9433908.